The following is an entry in ClinVar:

ClinVar aggregate classification (germline): Uncertain significance (1 of 4 stars; one submission).

gnomAD v4.1: 2 of 1,612,424 alleles (0.00012%); highest among the groups gnomAD compares: African/African-American, 0.0013%; no homozygotes.

Submission:

Labcorp Genetics (formerly Invitae), Labcorp
Classification: Uncertain significance. Last evaluated: 2023-12-31. Review status: criteria provided, single submitter. Criteria: Invitae Variant Classification Sherloc (09022015). Collection method: clinical testing. Allele origin: germline.
Comment: This sequence change replaces histidine, which is basic and polar, with tyrosine, which is neutral and polar, at codon 122 of the COL11A1 protein (p.His122Tyr). This variant is not present in population databases (gnomAD no frequency). This variant has not been reported in the literature in individuals affected with COL11A1-related conditions. Advanced modeling of protein sequence and biophysical properties (such as structural, functional, and spatial information, amino acid conservation, physicochemical variation, residue mobility, and thermodynamic stability) performed at Invitae indicates that this missense variant is not expected to disrupt COL11A1 protein function with a negative predictive value of 95%. In summary, the available evidence is currently insufficient to determine the role of this variant in disease. Therefore, it has been classified as a Variant of Uncertain Significance.

NM_001854.4(COL11A1):c.364C>T (p.His122Tyr)

Gene: COL11A1 (collagen type XI alpha 1 chain; minus strand). Cytogenetic location: 1p21.1.
Variant type: single nucleotide variant.
Coding change: c.364C>T on transcript NM_001854.4 (MANE Select); coding-DNA position 364, C replaced by T.
Protein change: p.His122Tyr; replaces histidine 122 with tyrosine.
Molecular consequence: missense variant. On other transcripts: non-coding transcript variant (1).
Genome position (GRCh38, 1-based): chr1:103,078,782, G>A on the plus strand (C>T on the coding strand, the complement: COL11A1 is on the minus strand). VCF-style: chr1-103078782-G-A. GRCh37 (hg19) VCF-style: chr1-103544338-G-A.
Other names: c.364C>T, p.His122Tyr (NM_001168249.1, NM_001190709.2, NM_080629.3 and 1 more transcripts); short protein forms H122Y.
Identifiers: ClinVar variation 2706731 (VCV002706731.3), dbSNP rs1469555372, ClinGen allele CA341167896.
Genomic context (GRCh38, chr1:103,078,782, plus strand): 5'-GGTCTTCAAACAGAAAAACAGGTGATCTCCCAACCTCAACACCAATTTGCTGAATACCAT[G>A]CTCATTATATATAGATAAAAGGAAAGACTGAATTCCTTTTTTTGGTTTTACTGTAAATAG-3'
Protein context (NP_001845.3, residues 112-132): QSFLLSIYNE[His122Tyr]GIQQIGVEVG